The following is an entry in ClinVar:

NM_000071.3(CBS):c.1144A>G (p.Met382Val)

Gene: CBS (cystathionine beta-synthase; minus strand). Cytogenetic location: 21q22.3.
Variant type: single nucleotide variant.
Coding change: c.1144A>G on transcript NM_000071.3 (MANE Select); coding-DNA position 1144, A replaced by G.
Protein change: p.Met382Val; replaces methionine 382 with valine.
Molecular consequence: missense variant.
Genome position (GRCh38, 1-based): chr21:43,060,442, T>C on the plus strand (A>G on the coding strand, the complement: CBS is on the minus strand). VCF-style: chr21-43060442-T-C. GRCh37 (hg19) VCF-style: chr21-44480552-T-C.
Other names: c.1144A>G, p.Met382Val (NM_001178008.3, NM_001178009.3, NM_001320298.2); c.829A>G, p.Met277Val (NM_001321072.1); short protein forms M277V, M382V.
Identifiers: ClinVar variation 3895402 (VCV003895402.1).
Genomic context (GRCh38, chr21:43,060,442, plus strand): 5'-CCAGGGAAGGGTGGCAGGATGGAGAGGAGCAGGGACCTGGGAGGGAAGCCGTGTCTTACA[T>C]GTAGTTCCGCACTGAGTCGGGCAGAATGACCACGCAGCGCTGGCCCTCCTGCAGCTCCTG-3'
Protein context (NP_000062.1, residues 372-392): VILPDSVRNY[Met382Val]TKFLSDRWML

ClinVar aggregate classification (germline): Uncertain significance (1 of 4 stars; one submission).

Conditions:
Cardiovascular phenotype. Identifiers: MedGen CN230736.

Submission:

Molecular Diagnostic Laboratory for Inherited Cardiovascular Disease, Montreal Heart Institute
Classification: Uncertain significance for Cardiovascular phenotype. Last evaluated: 2025-04-09. Review status: criteria provided, single submitter. Criteria: ACMG Guidelines, 2015. Collection method: clinical testing. Allele origin: germline. Affected: yes.
Comment: PM2, PP3